The following is an entry in ClinVar:

ClinVar aggregate classification (germline): Uncertain significance (1 of 4 stars; one submission).

Conditions:
Atypical hemolytic-uremic syndrome. Identifiers: Orphanet 2134, MedGen C2931788, MONDO:0016244.

Submission:

Genomenon, Inc
Classification: Uncertain significance for Atypical hemolytic-uremic syndrome. Last evaluated: 2025-09-26. Review status: criteria provided, single submitter. Criteria: Genomenon Sequence Variant Interpretation Standards - Updated. Collection method: curation. Allele origin: germline. Affected: no.
Comment: CFB p.Phe680Leu (c.2038T>C) is a missense variant that changes the amino acid at residue 680 from Phenylalanine to Leucine. This variant has been reported in the published literature (PMID:36681659). It is absent or not present at a significant frequency in gnomAD. In conclusion, we classify CFB p.Phe680Leu (c.2038T>C) as a variant of uncertain significance.

Literature cited by the submitters: PubMed 36681659.

NM_001710.6(CFB):c.2038T>C (p.Phe680Leu)

Gene: CFB (complement factor B; plus strand). Cytogenetic location: 6p21.33.
Variant type: single nucleotide variant.
Coding change: c.2038T>C on transcript NM_001710.6 (MANE Select); coding-DNA position 2038, T replaced by C.
Protein change: p.Phe680Leu; replaces phenylalanine 680 with leucine.
Molecular consequence: missense variant.
Genome position (GRCh38, 1-based): chr6:31,951,422, T>C. VCF-style: chr6-31951422-T-C. GRCh37 (hg19) VCF-style: chr6-31919199-T-C.
Other names: short protein forms F680L.
Identifiers: ClinVar variation 4280416 (VCV004280416.1).
Genomic context (GRCh38, chr6:31,951,422, plus strand): 5'-GCTCAATATGCCCCAGGCTATGACAAAGTCAAGGACATCTCAGAGGTGGTCACCCCTCGG[T>C]TCCTTTGTACTGGAGGAGTGAGTCCCTATGCTGACCCCAATACTTGCAGAGGTGAGAGAA-3'
Protein context (NP_001701.2, residues 670-690): KDISEVVTPR[Phe680Leu]LCTGGVSPYA